The following is an entry in ClinVar:

NM_001037132.4(NRCAM):c.26_29del (p.Lys9fs)

Gene: NRCAM (neuronal cell adhesion molecule; minus strand). Cytogenetic location: 7q31.1.
Variant type: Deletion.
Coding change: c.26_29del on transcript NM_001037132.4 (MANE Select); coding-DNA positions 26 to 29, 4 bases deleted (AGAA; older notation c.26_29delAGAA).
Protein change: p.Lys9fs; shifts the reading frame from lysine 9.
Molecular consequence: frameshift variant. On other transcripts: 5 prime UTR variant (4), non-coding transcript variant (5), intron variant (6).
Genome position (GRCh38, 1-based): chr7:108,240,036-108,240,039, TTCT deleted on the plus strand (AGAA on the coding strand, the reverse complement: NRCAM is on the minus strand); deleting any 4 consecutive bases within chr7:108,240,036-108,240,041 gives the same sequence; the c. name uses the placement nearest the transcript's 3' end. VCF-style (leftmost placement, unchanged base first): chr7-108240035-CTTCT-C. GRCh37 (hg19) VCF-style: chr7-107880479-CTTCT-C.
Other names: p.Lys9SerfsTer10; c.26_29del, p.Lys9fs (NM_001193582.2, NM_001193583.2, NM_001193584.2 and 53 more transcripts); c.-715_-712del (NM_001371137.1); c.-255_-252del (NM_001371142.1, NM_001371147.1); c.-534_-531del (NM_001371179.1); c.-164-5351_-164-5348del (NM_001371164.1, NM_001371148.1, NM_001371170.1 and 1 more transcripts); c.-182-2270_-182-2267del (NM_001371125.1, NM_001371143.1); short protein forms K9fs.
Identifiers: ClinVar variation 2499480 (VCV002499480.2), dbSNP rs2548032920, ClinGen allele CA2580076213.

ClinVar aggregate classification (germline): Likely pathogenic (1 of 4 stars; one submission).

Conditions:
Neurodevelopmental disorder with neuromuscular and skeletal abnormalities (NEDNMS). Identifiers: MedGen C5676965, MONDO:0859236, OMIM 619833.

Submission:

Foundation for Research in Genetics and Endocrinology, FRIGE's Institute of Human Genetics
Classification: Likely pathogenic for Neurodevelopmental disorder with neuromuscular and skeletal abnormalities. Last evaluated: 2023-04-19. Review status: criteria provided, single submitter. Criteria: ACMG Guidelines, 2015. Collection method: clinical testing. Allele origin: germline. Inheritance: Autosomal recessive inheritance. Affected: yes. Observed: 1 homozygote.
Comment: A heterozygous deletion (c.26_29delAGAA) lies in exon 1 of the NRCAM gene and is predicted to cause a frameshift and consequent premature termination of the protein (p.Lys9SerfsTer10). This variant has not been observed in the 1000 Genomes and gnomAD databases. The in-silico prediction of the variant is disease causing by Mutation Taster 2. The reference codon is conserved across species. . In summary, the variant meets our criteria to be classified as likely pathogenic.